The following is an entry in ClinVar:

NM_000136.3(FANCC):c.749T>C (p.Leu250Pro)

Genes: AOPEP (aminopeptidase O (putative); plus strand), FANCC (FA complementation group C; minus strand). Cytogenetic location: 9q22.32.
Variant type: single nucleotide variant.
Coding change: c.749T>C on transcript NM_000136.3 (MANE Select); coding-DNA position 749, T replaced by C.
Protein change: p.Leu250Pro; replaces leucine 250 with proline.
Molecular consequence: missense variant.
Genome position (GRCh38, 1-based): chr9:95,135,440, A>G on the plus strand (T>C on the coding strand, the complement: FANCC is on the minus strand). VCF-style: chr9-95135440-A-G. GRCh37 (hg19) VCF-style: chr9-97897722-A-G.
Other names: c.749T>C, p.Leu250Pro (NM_001243743.2, NM_001243744.2); short protein forms L250P.
Identifiers: ClinVar variation 1010293 (VCV001010293.8), dbSNP rs1827530053, ClinGen allele CA374109372.

ClinVar aggregate classification (germline): Uncertain significance (1 of 4 stars; one submission).

Conditions:
Fanconi anemia (FA). Also called: Fanconi's anemia. Identifiers: Orphanet 84, MedGen C0015625, MeSH D005199, MONDO:0019391.

Submission:

Labcorp Genetics (formerly Invitae), Labcorp
Classification: Uncertain significance for Fanconi anemia. Last evaluated: 2020-05-19. Review status: criteria provided, single submitter. Criteria: Invitae Variant Classification Sherloc (09022015). Collection method: clinical testing. Allele origin: germline.
Comment: In summary, the available evidence is currently insufficient to determine the role of this variant in disease. Therefore, it has been classified as a Variant of Uncertain Significance. Algorithms developed to predict the effect of missense changes on protein structure and function (SIFT, PolyPhen-2, Align-GVGD) all suggest that this variant is likely to be disruptive, but these predictions have not been confirmed by published functional studies and their clinical significance is uncertain. This variant has not been reported in the literature in individuals with FANCC-related conditions. This variant is not present in population databases (ExAC no frequency). This sequence change replaces leucine with proline at codon 250 of the FANCC protein (p.Leu250Pro). The leucine residue is highly conserved and there is a moderate physicochemical difference between leucine and proline.